The following is an entry in ClinVar:

ClinVar aggregate classification (germline): Uncertain significance (1 of 4 stars; one submission).

Submission:

CeGaT Center for Human Genetics Tuebingen
Classification: Uncertain significance. Last evaluated: 2026-07-01. Review status: criteria provided, single submitter. Criteria: CeGaT Center For Human Genetics Tuebingen Variant Classification Criteria Version 2. Collection method: clinical testing. Allele origin: germline. Affected: yes. Observed: 3 variant alleles.
Comment: REEP1: PM2, PP3, PP4

NM_001371279.1(REEP1):c.154G>A (p.Glu52Lys)

Gene: REEP1 (receptor accessory protein 1; minus strand). Cytogenetic location: 2p11.2.
Variant type: single nucleotide variant.
Coding change: c.154G>A on transcript NM_001371279.1 (MANE Select); coding-DNA position 154, G replaced by A.
Protein change: p.Glu52Lys; replaces glutamic acid 52 with lysine.
Molecular consequence: missense variant.
Genome position (GRCh38, 1-based): chr2:86,263,993, C>T on the plus strand (G>A on the coding strand, the complement: REEP1 is on the minus strand). VCF-style: chr2-86263993-C-T. GRCh37 (hg19) VCF-style: chr2-86491116-C-T.
Other names: c.175G>A, p.Glu59Lys (NM_001164730.2); c.73G>A, p.Glu25Lys (NM_001164731.2); c.154G>A, p.Glu52Lys (NM_001164732.2, NM_001371280.1, NM_022912.3); short protein forms E25K, E52K, E59K.
Identifiers: ClinVar variation 1176093 (VCV001176093.35), dbSNP rs2104303049, ClinGen allele CA347719990.
Genomic context (GRCh38, chr2:86,263,993, plus strand): 5'-CTTAGAAACATCCCAACTCCTGGAGTACTTACCAACAAAGGAAGATGTCTGTGAATGTCT[C>T]TGCTGTGGTGAAAAGTGCAAATATAATCCAGTACATCATCCATTTGACCTGTTGAAACAG-3'
Protein context (NP_001358208.1, residues 42-62): WIIFALFTTA[Glu52Lys]TFTDIFLCWF